The following is an entry in ClinVar:

ClinVar aggregate classification (germline): Uncertain significance (1 of 4 stars; one submission).

Conditions:
Hereditary cancer-predisposing syndrome. Also called: Neoplastic Syndromes, Hereditary; Tumor predisposition; Hereditary neoplastic syndrome; Hereditary Cancer Syndrome. Identifiers: Orphanet 140162, MedGen C0027672, MeSH D009386, MONDO:0015356.

Submission:

Ambry Genetics
Classification: Uncertain significance for Hereditary cancer-predisposing syndrome. Last evaluated: 2026-07-06. Review status: criteria provided, single submitter. Criteria: Ambry Variant Classification Scheme 2023. Collection method: clinical testing. Allele origin: germline.
Comment: The p.Q582K variant (also known as c.1744C>A), located in coding exon 8 of the BARD1 gene, results from a C to A substitution at nucleotide position 1744. The glutamine at codon 582 is replaced by lysine, an amino acid with similar properties. This amino acid position is conserved. In addition, the in silico prediction for this alteration is inconclusive. Based on the available evidence, the clinical significance of this variant remains unclear.

NM_000465.4(BARD1):c.1744C>A (p.Gln582Lys)

Gene: BARD1 (BRCA1 associated RING domain 1; minus strand). Cytogenetic location: 2q35.
Variant type: single nucleotide variant.
Coding change: c.1744C>A on transcript NM_000465.4 (MANE Select); coding-DNA position 1744, C replaced by A.
Protein change: p.Gln582Lys; replaces glutamine 582 with lysine.
Molecular consequence: missense variant. On other transcripts: non-coding transcript variant (3), intron variant (1).
Genome position (GRCh38, 1-based): chr2:214,745,788, G>T on the plus strand (C>A on the coding strand, the complement: BARD1 is on the minus strand). VCF-style: chr2-214745788-G-T. GRCh37 (hg19) VCF-style: chr2-215610512-G-T.
Other names: c.1687C>A, p.Gln563Lys (NM_001282543.2); c.391C>A, p.Gln131Lys (NM_001282545.2); c.334C>A, p.Gln112Lys (NM_001282548.2); c.365-15280C>A (NM_001282549.2); short protein forms Q563K, Q582K, Q131K, Q112K.
Identifiers: ClinVar variation 5032769 (VCV005032769.1).